The following is an entry in ClinVar:

NM_000245.4(MET):c.2873G>A (p.Arg958Lys)

Gene: MET (MET proto-oncogene, receptor tyrosine kinase; plus strand). Cytogenetic location: 7q31.2.
Variant type: single nucleotide variant.
Coding change: c.2873G>A on transcript NM_000245.4 (MANE Select); coding-DNA position 2873, G replaced by A.
Protein change: p.Arg958Lys; replaces arginine 958 with lysine.
Molecular consequence: missense variant.
Genome position (GRCh38, 1-based): chr7:116,771,640, G>A. VCF-style: chr7-116771640-G-A. GRCh37 (hg19) VCF-style: chr7-116411694-G-A.
Other names: c.2927G>A, p.Arg976Lys (NM_001127500.3); c.1583G>A, p.Arg528Lys (NM_001324402.2); short protein forms R528K, R976K, R958K.
Identifiers: ClinVar variation 2045187 (VCV002045187.4), dbSNP rs2116993154, ClinGen allele CA368986757.
Genomic context (GRCh38, chr7:116,771,640, plus strand): 5'-TTGTCTCAATATCAACAGCACTGTTATTACTACTTGGGTTTTTCCTGTGGCTGAAAAAGA[G>A]AAAGCAAATTAAAGGTGCATTTTTGTTACTGTTCATTTTTAGAAGTTACCTTAAGAACAC-3'
Protein context (NP_000236.2, residues 948-968): LLGFFLWLKK[Arg958Lys]KQIKDLGSEL

ClinVar aggregate classification (germline): Uncertain significance (1 of 4 stars; one submission).

Conditions:
Renal cell carcinoma. Identifiers: Orphanet 217071, MedGen C0007134, MeSH D002292, MONDO:0005086, HP:0005584.

Submission:

Labcorp Genetics (formerly Invitae), Labcorp
Classification: Uncertain significance for Renal cell carcinoma. Last evaluated: 2021-12-17. Review status: criteria provided, single submitter. Criteria: Invitae Variant Classification Sherloc (09022015). Collection method: clinical testing. Allele origin: germline.
Comment: In summary, the available evidence is currently insufficient to determine the role of this variant in disease. Therefore, it has been classified as a Variant of Uncertain Significance. This sequence change replaces arginine, which is basic and polar, with lysine, which is basic and polar, at codon 976 of the MET protein (p.Arg976Lys). This variant is not present in population databases (gnomAD no frequency). This variant has not been reported in the literature in individuals affected with MET-related conditions. Algorithms developed to predict the effect of missense changes on protein structure and function output the following: SIFT: "Tolerated"; PolyPhen-2: "Benign"; Align-GVGD: "Class C0". The lysine amino acid residue is found in multiple mammalian species, which suggests that this missense change does not adversely affect protein function.